The following is an entry in ClinVar:

NM_032043.3(BRIP1):c.2073T>G (p.Ile691Met)

Gene: BRIP1 (BRCA1 interacting DNA helicase 1; minus strand). Cytogenetic location: 17q23.2.
Variant type: single nucleotide variant.
Coding change: c.2073T>G on transcript NM_032043.3 (MANE Select); coding-DNA position 2073, T replaced by G.
Protein change: p.Ile691Met; replaces isoleucine 691 with methionine.
Molecular consequence: missense variant.
Genome position (GRCh38, 1-based): chr17:61,776,425, A>C on the plus strand (T>G on the coding strand, the complement: BRIP1 is on the minus strand). VCF-style: chr17-61776425-A-C. GRCh37 (hg19) VCF-style: chr17-59853786-A-C.
Other names: short protein forms I691M.
Identifiers: ClinVar variation 2921411 (VCV002921411.3), dbSNP rs2145026742, ClinGen allele CA400478064.
Genomic context (GRCh38, chr17:61,776,425, plus strand): 5'-ATTTAAAGGCAAAAGAAACAATAAATATTCCCTTACCTTGTAAGATGGCAAGAAACACAA[A>C]ATTCCTTGGCTCACAGTCTGGCACACAGATAACAAAAGTGCTCCCACTTCATCTTGGAAC-3'
Protein context (NP_114432.2, residues 681-701): LSVCQTVSQG[Ile691Met]LCFLPSYKLL

ClinVar aggregate classification (germline): Uncertain significance (1 of 4 stars; one submission).

Conditions:
Fanconi anemia complementation group J. Also called: BRIP1-Related Fanconi Anemia. Identifiers: Orphanet 84, MedGen C1836860, MONDO:0012187, OMIM 609054.
Familial cancer of breast. Also called: hereditary breast carcinoma; BREAST CANCER, FAMILIAL; Hereditary breast cancer. Identifiers: Orphanet 227535, MedGen C0346153, MONDO:0016419, OMIM 114480. Disease mechanism: loss of function.

Submission:

Labcorp Genetics (formerly Invitae), Labcorp
Classification: Uncertain significance for Familial cancer of breast; Fanconi anemia complementation group J. Last evaluated: 2023-12-14. Review status: criteria provided, single submitter. Criteria: Invitae Variant Classification Sherloc (09022015). Collection method: clinical testing. Allele origin: germline.
Comment: This sequence change replaces isoleucine, which is neutral and non-polar, with methionine, which is neutral and non-polar, at codon 691 of the BRIP1 protein (p.Ile691Met). This variant is not present in population databases (gnomAD no frequency). This variant has not been reported in the literature in individuals affected with BRIP1-related conditions. Advanced modeling of protein sequence and biophysical properties (such as structural, functional, and spatial information, amino acid conservation, physicochemical variation, residue mobility, and thermodynamic stability) performed at Invitae indicates that this missense variant is not expected to disrupt BRIP1 protein function with a negative predictive value of 80%. In summary, the available evidence is currently insufficient to determine the role of this variant in disease. Therefore, it has been classified as a Variant of Uncertain Significance.